The following is an entry in ClinVar:

ClinVar aggregate classification (germline): Uncertain significance (1 of 4 stars; one submission).

Conditions:
Combined immunodeficiency due to STIM1 deficiency. Also called: STIM1 DEFICIENCY; IMMUNODEFICIENCY 10. Identifiers: Orphanet 169090, Orphanet 317430, MedGen C2748557, MONDO:0013008, OMIM 612783.
Myopathy with tubular aggregates (TAM). Also called: Tubular Aggregate Myopathy. Identifiers: Orphanet 2593, MedGen C0410207, MONDO:0008051.
Stormorken syndrome (STRMK). Also called: THROMBOCYTOPATHY, ASPLENIA, AND MIOSIS. Identifiers: Orphanet 3204, MedGen C1861451, MONDO:0008497, OMIM 185070.

Allele frequency attached by ClinVar (database versions not stated): gnomAD exomes below 0.00001.
gnomAD v4.1: 2 of 1,613,964 alleles (0.00012%); highest among the groups gnomAD compares: East Asian, 0.0022%; no homozygotes.

Submission:

Labcorp Genetics (formerly Invitae), Labcorp
Classification: Uncertain significance for Myopathy with tubular aggregates; Combined immunodeficiency due to STIM1 deficiency; Stormorken syndrome. Last evaluated: 2025-02-10. Review status: criteria provided, single submitter. Criteria: Invitae Variant Classification Sherloc (09022015). Collection method: clinical testing. Allele origin: germline.
Comment: This sequence change replaces proline, which is neutral and non-polar, with alanine, which is neutral and non-polar, at codon 101 of the STIM1 protein (p.Pro101Ala). This variant is not present in population databases (gnomAD no frequency). This variant has not been reported in the literature in individuals affected with STIM1-related conditions. ClinVar contains an entry for this variant (Variation ID: 1430482). Invitae Evidence Modeling of protein sequence and biophysical properties (such as structural, functional, and spatial information, amino acid conservation, physicochemical variation, residue mobility, and thermodynamic stability) has been performed for this missense variant. However, the output from this modeling did not meet the statistical confidence thresholds required to predict the impact of this variant on STIM1 protein function. In summary, the available evidence is currently insufficient to determine the role of this variant in disease. Therefore, it has been classified as a Variant of Uncertain Significance.

NM_001382567.1(STIM1):c.301C>G (p.Pro101Ala)

Gene: STIM1 (stromal interaction molecule 1; plus strand). Cytogenetic location: 11p15.4.
Variant type: single nucleotide variant.
Coding change: c.301C>G on transcript NM_001382567.1 (MANE Select); coding-DNA position 301, C replaced by G.
Protein change: p.Pro101Ala; replaces proline 101 with alanine.
Molecular consequence: missense variant. On other transcripts: 5 prime UTR variant (3), non-coding transcript variant (3).
Genome position (GRCh38, 1-based): chr11:4,023,903, C>G. VCF-style: chr11-4023903-C-G. GRCh37 (hg19) VCF-style: chr11-4045133-C-G.
Other names: c.301C>G, p.Pro101Ala (NM_001277961.3, NM_001277962.2, NM_001382568.1 and 3 more transcripts); c.79C>G, p.Pro27Ala (NM_001382566.1, NM_001382573.1, NM_001382574.1 and 5 more transcripts); c.166C>G, p.Pro56Ala (NM_001382569.1); c.-68C>G (NM_001382571.1); c.-189C>G (NM_001382580.1, NM_001382581.1); short protein forms P56A, P101A, P27A.
Identifiers: ClinVar variation 1430482 (VCV001430482.9), dbSNP rs2136018813, ClinGen allele CA379485223.